The following is an entry in ClinVar:

ClinVar aggregate classification (germline): Uncertain significance (1 of 4 stars; one submission).

Allele frequency attached by ClinVar (database versions not stated): gnomAD exomes below 0.00001.
gnomAD v4.1: 3 of 1,613,922 alleles (0.00019%); highest among the groups gnomAD compares: South Asian, 0.0011%; no homozygotes.

Submission:

Labcorp Genetics (formerly Invitae), Labcorp
Classification: Uncertain significance. Last evaluated: 2022-02-07. Review status: criteria provided, single submitter. Criteria: Invitae Variant Classification Sherloc (09022015). Collection method: clinical testing. Allele origin: germline.
Comment: In summary, the available evidence is currently insufficient to determine the role of this variant in disease. Therefore, it has been classified as a Variant of Uncertain Significance. Algorithms developed to predict the effect of missense changes on protein structure and function are either unavailable or do not agree on the potential impact of this missense change (SIFT: "Deleterious"; PolyPhen-2: "Possibly Damaging"; Align-GVGD: "Class C0"). This variant has not been reported in the literature in individuals affected with DSG1-related conditions. This variant is present in population databases (no rsID available, gnomAD 0.003%). This sequence change replaces leucine, which is neutral and non-polar, with proline, which is neutral and non-polar, at codon 656 of the DSG1 protein (p.Leu656Pro).

NM_001942.4(DSG1):c.1967T>C (p.Leu656Pro)

Genes: DSG1 (desmoglein 1; plus strand), DSG1-AS1 (DSG1 antisense RNA 1; minus strand). Cytogenetic location: 18q12.1.
Variant type: single nucleotide variant.
Coding change: c.1967T>C on transcript NM_001942.4 (MANE Select); coding-DNA position 1967, T replaced by C.
Protein change: p.Leu656Pro; replaces leucine 656 with proline.
Molecular consequence: missense variant.
Genome position (GRCh38, 1-based): chr18:31,346,065, T>C. VCF-style: chr18-31346065-T-C. GRCh37 (hg19) VCF-style: chr18-28926028-T-C.
Other names: short protein forms L656P.
Identifiers: ClinVar variation 2093168 (VCV002093168.4), dbSNP rs1199068337, ClinGen allele CA402118761.